The following is an entry in ClinVar:

ClinVar aggregate classification (germline): Uncertain significance (1 of 4 stars; one submission).

Submission:

Labcorp Genetics (formerly Invitae), Labcorp
Classification: Uncertain significance. Last evaluated: 2024-06-10. Review status: criteria provided, single submitter. Criteria: Invitae Variant Classification Sherloc (09022015). Collection method: clinical testing. Allele origin: germline.
Comment: This sequence change replaces threonine, which is neutral and polar, with alanine, which is neutral and non-polar, at codon 200 of the BRD4 protein (p.Thr200Ala). This variant is not present in population databases (gnomAD no frequency). This variant has not been reported in the literature in individuals affected with BRD4-related conditions. Algorithms developed to predict the effect of missense changes on protein structure and function output the following: SIFT: "Not Available"; PolyPhen-2: "Not Available"; Align-GVGD: "Not Available". The alanine amino acid residue is found in multiple mammalian species, which suggests that this missense change does not adversely affect protein function. In summary, the available evidence is currently insufficient to determine the role of this variant in disease. Therefore, it has been classified as a Variant of Uncertain Significance.

NM_001379291.1(BRD4):c.598A>G (p.Thr200Ala)

Gene: BRD4 (bromodomain containing 4; minus strand). Cytogenetic location: 19p13.12.
Variant type: single nucleotide variant.
Coding change: c.598A>G on transcript NM_001379291.1 (MANE Select); coding-DNA position 598, A replaced by G.
Protein change: p.Thr200Ala; replaces threonine 200 with alanine.
Molecular consequence: missense variant.
Genome position (GRCh38, 1-based): chr19:15,265,605, T>C on the plus strand (A>G on the coding strand, the complement: BRD4 is on the minus strand). VCF-style: chr19-15265605-T-C. GRCh37 (hg19) VCF-style: chr19-15376416-T-C.
Other names: c.598A>G, p.Thr200Ala (NM_001330384.2, NM_001379292.1, NM_014299.3 and 1 more transcripts); short protein forms T200A.
Identifiers: ClinVar variation 3681735 (VCV003681735.2).